The following is an entry in ClinVar:

ClinVar aggregate classification (germline): Pathogenic/Likely pathogenic. Review status: criteria provided, multiple submitters, no conflicts (2 of 4 stars). 3 submissions from 3 submitters: Pathogenic (1); Likely pathogenic (2). Last evaluated 2022-05-04.

Conditions:
Cerebellar ataxia, impaired intellectual development, and dysequilibrium syndrome 4. Also called: Cerebellar ataxia, intellectual disability, and dysequilibrium syndrome 4; CEREBELLAR ATAXIA AND MENTAL RETARDATION WITH OR WITHOUT QUADRUPEDAL LOCOMOTION 4; Cerebellar ataxia, mental retardation, and dysequilibrium syndrome 4. Identifiers: Orphanet 1766, MedGen C3808977, MONDO:0014104, OMIM 615268.

Allele frequency attached by ClinVar (database versions not stated): TOPMed 0.00001 and 0.00002; gnomAD exomes 0.00001; ExAC 0.00001; gnomAD 0.00001.
gnomAD v4.1: 12 of 1,613,776 alleles (0.00074%); highest among the groups gnomAD compares: East Asian, 0.0022%; no homozygotes.

Submissions (3):

Broad Center for Mendelian Genomics, Broad Institute of MIT and Harvard
Classification: Likely pathogenic for Cerebellar ataxia, impaired intellectual development, and dysequilibrium syndrome 4. Last evaluated: 2022-05-04. Review status: criteria provided, single submitter. Criteria: ACMG Guidelines, 2015. Collection method: curation. Allele origin: germline. Inheritance: Autosomal recessive inheritance.
Comment: The homozygous p.Arg586Ter variant in ATP8A2 was identified by our study in 2 siblings with cerebellar ataxia, mental retardation, and dysequilibrium syndrome 4. Although this variant has been seen in the general population, its frequency is low enough to be consistent with a recessive carrier frequency. This variant has also been reported in ClinVar (Variation ID: 429349) as likely pathogenic by GeneDx. This nonsense variant leads to a premature termination codon at position 586, which is predicted to lead to a truncated or absent protein. Loss of function of the ATP8A2 gene is a moderately established disease mechanism in autosomal recessive cerebellar ataxia, mental retardation, and dysequilibrium syndrome 4. The presence of this variant in at least 2 homozygotes, and in 2 individuals with cerebellar ataxia, mental retardation, and dysequilibrium syndrome 4 increases the likelihood that the p.Arg586Ter variant is pathogenic (PMID: 30012219). In summary, although additional studies are required to fully establish its clinical significance, this variant is likely pathogenic. ACMG/AMP Criteria applied: PVS1_strong, PM2, PM3 (Richards 2015).

GeneDx
Classification: Likely pathogenic. Last evaluated: 2017-05-05. Review status: criteria provided, single submitter. Criteria: GeneDx Variant Classification (06012015). Collection method: clinical testing. Allele origin: germline. Affected: yes.
Comment: The R586X variant in the ATP8A2 gene has not been reported previously as a pathogenic variant nor as a benign variant, to our knowledge. This variant is predicted to cause loss of normal protein function either through protein truncation or nonsense-mediated mRNA decay. The R586X variant is not observed at a significant frequency in large population cohorts (Lek et al., 2016; 1000 Genomes Consortium et al., 2015; Exome Variant Server). We interpret R586X as a likely pathogenic variant.

Laboratoire de Génétique Moléculaire, CHU Bordeaux
Classification: Pathogenic. Review status: criteria provided, single submitter. Criteria: ACMG Guidelines, 2015. Collection method: clinical testing. Allele origin: germline. Affected: yes.

NM_016529.6(ATP8A2):c.1756C>T (p.Arg586Ter)

Gene: ATP8A2 (ATPase phospholipid transporting 8A2). Cytogenetic location: 13q12.13.
Variant type: single nucleotide variant.
Coding change: c.1756C>T on transcript NM_016529.6 (MANE Select); coding-DNA position 1756, C replaced by T.
Protein change: p.Arg586Ter; replaces arginine 586 with a stop codon.
Molecular consequence: nonsense.
Genome position (GRCh38, 1-based): chr13:25,577,112, C>T. VCF-style: chr13-25577112-C-T. GRCh37 (hg19) VCF-style: chr13-26151250-C-T.
Other names: NM_016529.6(ATP8A2):c.1756C>T; p.Arg586Ter; c.1636C>T, p.Arg546Ter (NM_001313741.1); short protein forms R586*, R546*.
Identifiers: ClinVar variation 429349 (VCV000429349.4), dbSNP rs755133567, ClinGen allele CA6923055.